The following is an entry in ClinVar:

ClinVar aggregate classification (germline): Uncertain significance (1 of 4 stars; one submission).

gnomAD v4.1: 1 of 1,614,146 alleles (0.000062%); highest among the groups gnomAD compares: East Asian, 0.0022%; no homozygotes.

Submission:

Women's Health and Genetics/Laboratory Corporation of America, LabCorp
Classification: Uncertain significance. Last evaluated: 2025-01-31. Review status: criteria provided, single submitter. Criteria: LabCorp Variant Classification Summary - May 2015. Collection method: clinical testing. Allele origin: germline.
Comment: Variant summary: ACAD9 c.1737T>G (p.Asn579Lys) results in a non-conservative amino acid change located in the ACAD9/ACADV, C-terminal domain (IPR049448) of the encoded protein sequence. Three of five in-silico tools predict a damaging effect of the variant on protein function. The variant was absent in 251484 control chromosomes (gnomAD). The available data on variant occurrences in the general population are insufficient to allow any conclusion about variant significance. c.1737T>G has been reported in the literature in at least an individual affected with ACAD9 deficiency (example: Repp_2018). These data do not allow any conclusion about variant significance. To our knowledge, no experimental evidence demonstrating an impact on protein function has been reported. The following publication has been ascertained in the context of this evaluation (PMID: 30025539). No submitters have cited clinical-significance assessments for this variant to ClinVar. Based on the evidence outlined above, the variant was classified as uncertain significance.

Literature cited by the submitters: PubMed 30025539.

NM_014049.5(ACAD9):c.1737T>G (p.Asn579Lys)

Genes: ACAD9 (acyl-CoA dehydrogenase family member 9; plus strand), CFAP92 (cilia and flagella associated protein 92 (putative); minus strand). Cytogenetic location: 3q21.3.
Variant type: single nucleotide variant.
Coding change: c.1737T>G on transcript NM_014049.5 (MANE Select); coding-DNA position 1737, T replaced by G.
Protein change: p.Asn579Lys; replaces asparagine 579 with lysine.
Molecular consequence: missense variant. On other transcripts: non-coding transcript variant (1), intron variant (3).
Genome position (GRCh38, 1-based): chr3:128,910,785, T>G. VCF-style: chr3-128910785-T-G. GRCh37 (hg19) VCF-style: chr3-128629628-T-G.
Other names: c.1368T>G, p.Asn456Lys (NM_001410805.1); c.2312-452A>C (NM_001348521.2); c.2408-452A>C (NM_001348520.2); c.3281-452A>C (NM_001394090.1); short protein forms N456K, N579K.
Identifiers: ClinVar variation 3769357 (VCV003769357.2).